The following is an entry in ClinVar:

NM_001304808.3(BRD1):c.3309G>A (p.Leu1103=)

Gene: BRD1 (bromodomain containing 1; minus strand). Cytogenetic location: 22q13.33.
Variant type: single nucleotide variant.
Coding change: c.3309G>A on transcript NM_001304808.3 (MANE Select); coding-DNA position 3309, G replaced by A.
Protein change: p.Leu1103=; no amino-acid change (leucine 1103 retained).
Molecular consequence: synonymous variant. On other transcripts: non-coding transcript variant (2).
Genome position (GRCh38, 1-based): chr22:49,775,668, C>T on the plus strand (G>A on the coding strand, the complement: BRD1 is on the minus strand). VCF-style: chr22-49775668-C-T. GRCh37 (hg19) VCF-style: chr22-50169316-C-T.
Other names: c.2916G>A, p.Leu972= (NM_001304809.1, NM_001394551.1, NM_001394552.1); c.3063G>A, p.Leu1021= (NM_001349940.2); c.3294G>A, p.Leu1098= (NM_001349941.2); c.1767G>A, p.Leu589= (NM_001349942.2); c.3303G>A, p.Leu1101= (NM_001394548.1); c.3288G>A, p.Leu1096= (NM_001394549.1); c.1374G>A, p.Leu458= (NM_001394550.1).
Identifiers: ClinVar variation 2653349 (VCV002653349.24), dbSNP rs369287535, ClinGen allele CA10298512.

ClinVar aggregate classification (germline): Likely benign (1 of 4 stars; one submission).

Allele frequency attached by ClinVar (database versions not stated): ExAC 0.00029; ESP Exome Variant Server 0.00031; TOPMed 0.00043; gnomAD 0.00047; gnomAD exomes 0.00095.
gnomAD v4.1: 1,509 of 1,613,852 alleles (0.094%); highest among the groups gnomAD compares: Non-Finnish European, 0.12%; no homozygotes.

Submission:

CeGaT Center for Human Genetics Tuebingen
Classification: Likely benign. Last evaluated: 2023-02-01. Review status: criteria provided, single submitter. Criteria: CeGaT Center For Human Genetics Tuebingen Variant Classification Criteria Version 2. Collection method: clinical testing. Allele origin: germline. Affected: yes. Observed: 1 variant allele.
Comment: BRD1: BP4, BP7